The following is an entry in ClinVar:

ClinVar aggregate classification (germline): Uncertain significance (1 of 4 stars; one submission).

Allele frequency attached by ClinVar (database versions not stated): gnomAD exomes below 0.00001.

Submission:

Labcorp Genetics (formerly Invitae), Labcorp
Classification: Uncertain significance. Last evaluated: 2022-06-10. Review status: criteria provided, single submitter. Criteria: Invitae Variant Classification Sherloc (09022015). Collection method: clinical testing. Allele origin: germline.
Comment: In summary, the available evidence is currently insufficient to determine the role of this variant in disease. Therefore, it has been classified as a Variant of Uncertain Significance. Advanced modeling of protein sequence and biophysical properties (such as structural, functional, and spatial information, amino acid conservation, physicochemical variation, residue mobility, and thermodynamic stability) performed at Invitae indicates that this missense variant is not expected to disrupt ARID1A protein function. This variant has not been reported in the literature in individuals affected with ARID1A-related conditions. This variant is not present in population databases (gnomAD no frequency). This sequence change replaces methionine, which is neutral and non-polar, with valine, which is neutral and non-polar, at codon 628 of the ARID1A protein (p.Met628Val).

NM_006015.6(ARID1A):c.1882A>G (p.Met628Val)

Gene: ARID1A (AT-rich interaction domain 1A; plus strand). Cytogenetic location: 1p36.11.
Variant type: single nucleotide variant.
Coding change: c.1882A>G on transcript NM_006015.6 (MANE Select); coding-DNA position 1882, A replaced by G.
Protein change: p.Met628Val; replaces methionine 628 with valine.
Molecular consequence: missense variant.
Genome position (GRCh38, 1-based): chr1:26,732,754, A>G. VCF-style: chr1-26732754-A-G. GRCh37 (hg19) VCF-style: chr1-27059245-A-G.
Other names: c.1882A>G, p.Met628Val (NM_139135.4); short protein forms M628V.
Identifiers: ClinVar variation 1995863 (VCV001995863.4), dbSNP rs2124792637, ClinGen allele CA339269055.